The following is an entry in ClinVar:

ClinVar aggregate classification (germline): Likely benign. Review status: criteria provided, single submitter (1 of 4 stars). 2 submissions from 1 submitter: Likely benign (2). Last evaluated 2018-01-12.

Conditions:
Adult-onset proximal spinal muscular atrophy, autosomal dominant. Also called: FINKEL LATE-ADULT TYPE SMA; Spinal muscular atrophy, late-onset, finkel type. Identifiers: Orphanet 209335, MedGen C1854058, MONDO:0008453, OMIM 182980.
Amyotrophic lateral sclerosis type 8 (ALS8). Identifiers: Orphanet 803, MedGen C1837728, MONDO:0012077, OMIM 608627.

Allele frequency attached by ClinVar (database versions not stated): 1000 Genomes Project 30x 0.00016; 1000 Genomes Project 0.00020; ExAC 0.00056; gnomAD exomes 0.00098 and 0.00136; TOPMed 0.00113; gnomAD 0.00116 and 0.00122.
gnomAD v4.1: 582 of 454,084 alleles (0.13%); highest among the groups gnomAD compares: Non-Finnish European, 0.2%; no homozygotes.

Submissions (2):

Illumina Laboratory Services, Illumina
Classification: Likely benign for Adult-onset proximal spinal muscular atrophy, autosomal dominant. Last evaluated: 2018-01-12. Review status: criteria provided, single submitter. Criteria: ICSL Variant Classification Criteria 13 December 2019. Collection method: clinical testing. Allele origin: germline.
Comment: This variant was observed in the ICSL laboratory as part of a predisposition screen in an ostensibly healthy population. It had not been previously curated by ICSL or reported in the Human Gene Mutation Database (HGMD: prior to June 1st, 2018), and was therefore a candidate for classification through an automated scoring system. Utilizing variant allele frequency, disease prevalence and penetrance estimates, and inheritance mode, an automated score was calculated to assess if this variant is too frequent to cause the disease. Based on the score and internal cut-off values, a variant classified as likely benign is not then subjected to further curation. The score for this variant resulted in a classification of likely benign for this disease.

Illumina Laboratory Services, Illumina
Classification: Likely benign for Amyotrophic lateral sclerosis type 8. Last evaluated: 2018-01-12. Review status: criteria provided, single submitter. Criteria: ICSL Variant Classification Criteria 13 December 2019. Collection method: clinical testing. Allele origin: germline.
Comment: the same text as in the submission from Illumina Laboratory Services, Illumina above.

NM_004738.5(VAPB):c.*3274C>T

Gene: VAPB (VAMP associated protein B and C; plus strand). Cytogenetic location: 20q13.32.
Variant type: single nucleotide variant.
Coding change: c.*3274C>T on transcript NM_004738.5 (MANE Select); 3274 bases downstream of the stop codon, C replaced by T.
Molecular consequence: 3 prime UTR variant. On other transcripts: non-coding transcript variant (1).
Genome position (GRCh38, 1-based): chr20:58,447,509, C>T. VCF-style: chr20-58447509-C-T. GRCh37 (hg19) VCF-style: chr20-57022565-C-T.
Other names: c.*3344C>T (NM_001195677.2).
Identifiers: ClinVar variation 338972 (VCV000338972.6), dbSNP rs553170533, ClinGen allele CA9924525.